The following is an entry in ClinVar:

NM_006383.4(CIB2):c.310C>T (p.Arg104Ter)

Gene: CIB2 (calcium and integrin binding family member 2; minus strand). Cytogenetic location: 15q25.1.
Variant type: single nucleotide variant.
Coding change: c.310C>T on transcript NM_006383.4 (MANE Select); coding-DNA position 310, C replaced by T.
Protein change: p.Arg104Ter; replaces arginine 104 with a stop codon.
Molecular consequence: nonsense. On other transcripts: non-coding transcript variant (1).
Genome position (GRCh38, 1-based): chr15:78,109,271, G>A on the plus strand (C>T on the coding strand, the complement: CIB2 is on the minus strand). VCF-style: chr15-78109271-G-A. GRCh37 (hg19) VCF-style: chr15-78401613-G-A.
Other names: c.181C>T, p.Arg61Ter (NM_001271888.2); c.163C>T, p.Arg55Ter (NM_001271889.2); c.325C>T, p.Arg109Ter (NM_001301224.2); short protein forms R109*, R104*, R61*, R55*.
Identifiers: ClinVar variation 1367570 (VCV001367570.7), dbSNP rs1054728914, ClinGen allele CA7680237.

ClinVar aggregate classification (germline): Pathogenic/Likely pathogenic. Review status: criteria provided, multiple submitters, no conflicts (2 of 4 stars). 2 submissions from 2 submitters: Pathogenic (1); Likely pathogenic (1). Last evaluated 2025-03-14.

Conditions:
CIB2-related disorders.

Allele frequency attached by ClinVar (database versions not stated): gnomAD exomes below 0.00001; ExAC 0.00001; gnomAD 0.00001; TOPMed 0.00001.
gnomAD v4.1: 19 of 1,611,358 alleles (0.0012%); highest among the groups gnomAD compares: African/African-American, 0.0041%; no homozygotes.

Submissions (2):

Labcorp Genetics (formerly Invitae), Labcorp
Classification: Pathogenic. Last evaluated: 2025-03-14. Review status: criteria provided, single submitter. Criteria: Invitae Variant Classification Sherloc (09022015). Collection method: clinical testing. Allele origin: germline.
Comment: This sequence change creates a premature translational stop signal (p.Arg104*) in the CIB2 gene. It is expected to result in an absent or disrupted protein product. Loss-of-function variants in CIB2 are known to be pathogenic (PMID: 26173970, 26226137, 26445815). This variant is present in population databases (no rsID available, gnomAD 0.003%). This variant has not been reported in the literature in individuals affected with CIB2-related conditions. ClinVar contains an entry for this variant (Variation ID: 1367570). For these reasons, this variant has been classified as Pathogenic.

Blueprint Genetics
Classification: Likely pathogenic for CIB2-related disorders. Last evaluated: 2019-11-28. Review status: criteria provided, single submitter. Criteria: ACMG Guidelines, 2015. Collection method: clinical testing. Allele origin: germline. Affected: yes. Observed: 2 variant alleles.

Literature cited by the submitters: PubMed 26173970 (cited by Labcorp Genetics (formerly Invitae), Labcorp); PubMed 26226137 (cited by Labcorp Genetics (formerly Invitae), Labcorp); PubMed 26445815 (cited by Labcorp Genetics (formerly Invitae), Labcorp).